The following is an entry in ClinVar:

ClinVar aggregate classification (germline): Likely pathogenic (1 of 4 stars; one submission).

Conditions:
Familial thoracic aortic aneurysm and aortic dissection (TAAD). Also called: Thoracic aortic aneurysms and dissections. Identifiers: Orphanet 91387, MedGen C4707243, MONDO:0019625.

Submission:

Labcorp Genetics (formerly Invitae), Labcorp
Classification: Likely pathogenic for Familial thoracic aortic aneurysm and aortic dissection. Last evaluated: 2021-06-17. Review status: criteria provided, single submitter. Criteria: Invitae Variant Classification Sherloc (09022015). Collection method: clinical testing. Allele origin: germline.
Comment: In summary, the currently available evidence indicates that the variant is pathogenic, but additional data are needed to prove that conclusively. Therefore, this variant has been classified as Likely Pathogenic. This variant has been observed in individual(s) with clinical features of TGFBR1-related conditions (Invitae). In at least one individual the variant was observed to be de novo. This variant is not present in population databases (ExAC no frequency). This variant, c.1311_1313del, results in the deletion of 1 amino acid(s) of the TGFBR1 protein (p.Val438del), but otherwise preserves the integrity of the reading frame.

NM_004612.4(TGFBR1):c.1311_1313del (p.Val438del)

Gene: TGFBR1 (transforming growth factor beta receptor 1; plus strand). Cytogenetic location: 9q22.33.
Variant type: Deletion.
Coding change: c.1311_1313del on transcript NM_004612.4 (MANE Select); coding-DNA positions 1311 to 1313, 3 bases deleted (AGT; older notation c.1311_1313delAGT).
Protein change: p.Val438del; deletes valine 438.
Molecular consequence: inframe deletion.
Genome position (GRCh38, 1-based): chr9:99,147,709-99,147,711, AGT deleted. VCF-style (leftmost placement, unchanged base first): chr9-99147708-CAGT-C. GRCh37 (hg19) VCF-style: chr9-101909990-CAGT-C.
Other names: c.1080_1082del, p.Val361del (NM_001130916.3); c.1323_1325del, p.Val442del (NM_001306210.2); short protein forms V361del, V442del, V438del.
Identifiers: ClinVar variation 1467701 (VCV001467701.8), dbSNP rs2118840018, ClinGen allele CA2573144946.
Genomic context (GRCh38, chr9:99,147,708, plus strand): 5'-ATACAGGAATTCATGAAGATTACCAACTGCCTTATTATGATCTTGTACCTTCTGACCCAT[CAGT>C]TGAAGAAATGAGAAAAGTTGTTTGTGAACAGAAGTTAAGGCCAAATATCCCAAACAGATG-3'